The following is an entry in ClinVar:

ClinVar aggregate classification (germline): Uncertain significance (1 of 4 stars; one submission).

Submission:

Ambry Genetics
Classification: Uncertain significance. Last evaluated: 2022-04-30. Review status: criteria provided, single submitter. Criteria: Ambry Variant Classification Scheme 2023. Collection method: clinical testing. Allele origin: germline.
Comment: The p.V843A variant (also known as c.2528T>C), located in coding exon 13 of the NPAT gene, results from a T to C substitution at nucleotide position 2528. The valine at codon 843 is replaced by alanine, an amino acid with similar properties. This amino acid position is conserved. In addition, this alteration is predicted to be tolerated by in silico analysis. Since supporting evidence is limited at this time, the clinical significance of this alteration remains unclear.

NM_002519.3(NPAT):c.2528T>C (p.Val843Ala)

Gene: NPAT (nuclear protein, coactivator of histone transcription; minus strand). Cytogenetic location: 11q22.3.
Variant type: single nucleotide variant.
Coding change: c.2528T>C on transcript NM_002519.3 (MANE Select); coding-DNA position 2528, T replaced by C.
Protein change: p.Val843Ala; replaces valine 843 with alanine.
Molecular consequence: missense variant.
Genome position (GRCh38, 1-based): chr11:108,172,456, A>G on the plus strand (T>C on the coding strand, the complement: NPAT is on the minus strand). VCF-style: chr11-108172456-A-G. GRCh37 (hg19) VCF-style: chr11-108043183-A-G.
Other names: c.2528T>C, p.Val843Ala (NM_001321307.1); short protein forms V843A.
Identifiers: ClinVar variation 1792625 (VCV001792625.2), dbSNP rs2496716887, ClinGen allele CA382512787.